The following is an entry in ClinVar:

NM_001556.3(IKBKB):c.1997G>A (p.Arg666His)

Gene: IKBKB (inhibitor of nuclear factor kappa B kinase subunit beta; plus strand). Cytogenetic location: 8p11.21.
Variant type: single nucleotide variant.
Coding change: c.1997G>A on transcript NM_001556.3 (MANE Select); coding-DNA position 1997, G replaced by A.
Protein change: p.Arg666His; replaces arginine 666 with histidine.
Molecular consequence: missense variant. On other transcripts: non-coding transcript variant (3).
Genome position (GRCh38, 1-based): chr8:42,325,980, G>A. VCF-style: chr8-42325980-G-A. GRCh37 (hg19) VCF-style: chr8-42183498-G-A.
Other names: c.1805G>A, p.Arg602His (NM_001190720.3); c.1820G>A, p.Arg607His (NM_001242778.2); short protein forms R607H, R666H, R602H.
Identifiers: ClinVar variation 4698373 (VCV004698373.1).
Genomic context (GRCh38, chr8:42,325,980, plus strand): 5'-AAATGTGATTCATCACTTGGCTCCTAATTTCTTTTGATTTTGTCCCCTAGAGCAAGGTCC[G>A]TGGTCCTGTCAGTGGAAGCCCGGATAGCATGAATGCCTCTCGACTTAGCCAGCCTGGGCA-3'
Protein context (NP_001547.1, residues 656-676): NLLKIACSKV[Arg666His]GPVSGSPDSM

ClinVar aggregate classification (germline): Uncertain significance (1 of 4 stars; one submission).

Conditions:
Severe combined immunodeficiency due to IKK2 deficiency. Also called: IMMUNODEFICIENCY 15B; Immunodeficiency 15. Identifiers: Orphanet 397787, MedGen C4747743, MONDO:0014267, OMIM 615592.

gnomAD v4.1: 6 of 1,614,176 alleles (0.00037%); highest among the groups gnomAD compares: Admixed American, 0.0017%; no homozygotes.

Submission:

Labcorp Genetics (formerly Invitae), Labcorp
Classification: Uncertain significance for Severe combined immunodeficiency due to IKK2 deficiency. Last evaluated: 2025-08-12. Review status: criteria provided, single submitter. Criteria: Invitae Variant Classification Sherloc (09022015). Collection method: clinical testing. Allele origin: germline.
Comment: This sequence change replaces arginine, which is basic and polar, with histidine, which is basic and polar, at codon 666 of the IKBKB protein (p.Arg666His). This variant is present in population databases (no rsID available, gnomAD 0.003%). This variant has not been reported in the literature in individuals affected with IKBKB-related conditions. Invitae Evidence Modeling of protein sequence and biophysical properties (such as structural, functional, and spatial information, amino acid conservation, physicochemical variation, residue mobility, and thermodynamic stability) indicates that this missense variant is not expected to disrupt IKBKB protein function with a negative predictive value of 95%. In summary, the available evidence is currently insufficient to determine the role of this variant in disease. Therefore, it has been classified as a Variant of Uncertain Significance.